The following is an entry in ClinVar:

ClinVar aggregate classification (germline): Likely benign. Review status: reviewed by expert panel (3 of 4 stars). 3 submissions from 3 submitters: Likely benign (1). 2 of the submissions do not count toward it. Last evaluated 2026-05-04.

Conditions:
Inborn genetic diseases. Identifiers: MedGen C0950123, MeSH D030342.
Hereditary thrombocytopenia and hematologic cancer predisposition syndrome. Identifiers: Orphanet 71290, MedGen CN281654, MONDO:0011071.
Hereditary thrombocytopenia and hematological cancer predisposition syndrome associated with RUNX1. Also called: Familial Platelet Disorder with Propensity to Acute Myelogenous Leukemia; Familial thrombocytopenia with propensity to acute myelogenous leukemia; PLATELET DISORDER, ASPIRIN-LIKE; RUNX1 Familial Platelet Disorder with Associated Myeloid Malignancies. Identifiers: Orphanet 71290, MedGen C1832388, MeSH C563324, MONDO:0100083, OMIM 601399.

Allele frequency attached by ClinVar (database versions not stated): gnomAD exomes below 0.00001.
gnomAD v4.1: 1 of 1,614,108 alleles (0.000062%); highest among the groups gnomAD compares: Admixed American, 0.0017%; no homozygotes.

Submissions (3):

ClinGen Myeloid Malignancy Variant Curation Expert Panel
Classification: Likely benign for Hereditary thrombocytopenia and hematologic cancer predisposition syndrome. Last evaluated: 2026-05-04. Review status: reviewed by expert panel. Criteria: ClinGen MyeloMalig ACMG Specifications V3.1. Collection method: curation. Allele origin: germline. Inheritance: Autosomal dominant inheritance.
Comment: NM_001754.5(RUNX1):c.474T>C (p.Phe158=) is a synonymous variant which has a SpliceAI score ≤ 0.20 (0.07) (BP4, BP7). This variant is completely absent from all population databases with at least 20x coverage for RUNX1 (PM2_supporting). In summary, this variant meets criteria to be classified as likely benign. ACMG/AMP criteria applied, as specified by the Myeloid Malignancy Variant Curation Expert Panel for RUNX1: BP4, BP7, PM2_supporting.

Ambry Genetics
Classification: Likely benign for Inborn genetic diseases. Last evaluated: 2026-07-01. Review status: criteria provided, single submitter. Criteria: Ambry Variant Classification Scheme 2023. Collection method: clinical testing. Allele origin: germline. Not counted in ClinVar's aggregate classification.

Labcorp Genetics (formerly Invitae), Labcorp
Classification: Likely benign for Hereditary thrombocytopenia and hematological cancer predisposition syndrome associated with RUNX1. Last evaluated: 2025-10-20. Review status: criteria provided, single submitter. Criteria: Invitae Variant Classification Sherloc (09022015). Collection method: clinical testing. Allele origin: germline. Not counted in ClinVar's aggregate classification.

NM_001754.5(RUNX1):c.474T>C (p.Phe158=)

Genes: RUNX1 (RUNX family transcription factor 1; minus strand), RUNX1-AS1 (RUNX1 antisense RNA 1; plus strand). Cytogenetic location: 21q22.12.
Variant type: single nucleotide variant.
Coding change: c.474T>C on transcript NM_001754.5 (MANE Select); coding-DNA position 474, T replaced by C.
Protein change: p.Phe158=; no amino-acid change (phenylalanine 158 retained).
Molecular consequence: synonymous variant.
Genome position (GRCh38, 1-based): chr21:34,880,591, A>G on the plus strand (T>C on the coding strand, the complement: RUNX1 is on the minus strand). VCF-style: chr21-34880591-A-G. GRCh37 (hg19) VCF-style: chr21-36252888-A-G.
Other names: NM_001754.5(RUNX1):c.474T>C; p.Phe158=; c.393T>C, p.Phe131= (NM_001001890.3, NM_001122607.2).
Identifiers: ClinVar variation 1988566 (VCV001988566.8), dbSNP rs2146361087, ClinGen allele CA512318682.